The following is an entry in ClinVar:

ClinVar aggregate classification (germline): Uncertain significance. Review status: criteria provided, multiple submitters, no conflicts (2 of 4 stars). 4 submissions from 4 submitters: Uncertain significance (3). 1 of the submissions does not count toward it. Last evaluated 2024-07-01.

Conditions:
Polycystic kidney disease. Also called: Kidney, Polycystic; Polycystic kidney dysplasia. Identifiers: MedGen C0022680, MeSH D007690, MONDO:0020642, HP:0000113.
Polycystic kidney disease, adult type (PKD1). Also called: POLYCYSTIC KIDNEY DISEASE, ADULT, TYPE I; Polycystic Kidney, Autosomal Dominant; POLYCYSTIC KIDNEY DISEASE 1 WITH OR WITHOUT POLYCYSTIC LIVER DISEASE; Polycystic Kidney Disease 1, Autosomal Dominant; Polycystic kidney disease 1; Polycystic kidney disease 1, severe. Identifiers: MedGen C3149841, MONDO:0008263, OMIM 173900.

Allele frequency attached by ClinVar (database versions not stated): 1000 Genomes Project 30x 0.00016; gnomAD 0.00024 and 0.00025; gnomAD exomes 0.00024; TOPMed 0.00027; ESP Exome Variant Server 0.00031.
gnomAD v4.1: 394 of 1,611,168 alleles (0.024%); highest among the groups gnomAD compares: Non-Finnish European, 0.029%; no homozygotes.

Submissions (4):

CeGaT Center for Human Genetics Tuebingen
Classification: Uncertain significance. Last evaluated: 2024-07-01. Review status: criteria provided, single submitter. Criteria: CeGaT Center For Human Genetics Tuebingen Variant Classification Criteria Version 2. Collection method: clinical testing. Allele origin: germline. Affected: yes. Observed: 1 variant allele.
Comment: PKD1: PM2, BP4

GeneDx
Classification: Uncertain significance. Last evaluated: 2023-04-12. Review status: criteria provided, single submitter. Criteria: GeneDx Variant Classification Process June 2021. Collection method: clinical testing. Allele origin: germline. Affected: yes.
Comment: In silico analysis supports that this missense variant does not alter protein structure/function; Has not been previously published as pathogenic or benign to our knowledge

Fulgent Genetics
Classification: Uncertain significance for Polycystic kidney disease, adult type. Last evaluated: 2018-10-31. Review status: criteria provided, single submitter. Criteria: ACMG Guidelines, 2015. Collection method: clinical testing. Allele origin: unknown.

Department of Pathology and Laboratory Medicine, Sinai Health System
Classification: Uncertain significance for Polycystic Kidney disease. Review status: no assertion criteria provided. Collection method: clinical testing. Allele origin: unknown. Affected: yes. Study: The Canadian Open Genetics Repository (COGR). Not counted in ClinVar's aggregate classification.
Comment: The PKD1 p.Val1339Met variant was not identified in the literature nor was it identified in the Clinvitae, ClinVar, MutDB, GeneInsight COGR, PKD1-LOVD and PKD1-LOVD 3.0 databases. The variant was identified in dbSNP (ID: rs147141131) as â€šÃ„ÃºNAâ€šÃ„Ã¹; NHLBI GO Exome Sequencing Project in 4 of 8584 European American and not found in African American alleles. The variant was identified in Exome Aggregation Consortium database (March 14, 2016) in 20 of 116858 chromosomes (freq. 0.0001711) in the following populations: European (Non-Finnish) in 18 of 63996 chromosomes (freq. 0.0002813), East Asian in 1 of 8490 chromosomes (freq. 0.0001178), African in 1 of 9514 chromosomes (freq. 0.0001051), but was not seen in European (Finnish), Latino, South Asian and Other populations, increasing the likelihood this could be a low frequency benign variant. We cannot be certain that data from control databases is specific to PKD1 and not from one of the six PKD1 pseudogenes. The variant was also identified in ADPKD Mutation Database (classified as Likely Neutral and found with truncating variants and other more likely pathogenic missense mutations). The p.Val1339 residue is not conserved in mammals and computational analyses (PolyPhen-2, SIFT, AlignGVGD, BLOSUM, MutationTaster) provide inconsistent predictions regarding the impact to the protein. The variant occurs outside of the splicing consensus sequence and 3 of 5 in silico or computational prediction software programs (SpliceSiteFinder, MaxEntScan, NNSPLICE, GeneSplicer, HumanSpliceFinder) predict a greater than 10% difference splicing; a loss of a predicted splice site at a non-consensus splicing location. However, this information is not predictive enough to assume pathogenicity. In summary, based on the above information, the clinical significance of this variant cannot be determined with certainty at this time. This variant is classified as a variant of uncertain significance.

NM_001009944.3(PKD1):c.4015G>A (p.Val1339Met)

Gene: PKD1 (polycystin 1, transient receptor potential channel interacting; minus strand). Cytogenetic location: 16p13.3.
Variant type: single nucleotide variant.
Coding change: c.4015G>A on transcript NM_001009944.3 (MANE Select); coding-DNA position 4015, G replaced by A.
Protein change: p.Val1339Met; replaces valine 1339 with methionine.
Molecular consequence: missense variant.
Genome position (GRCh38, 1-based): chr16:2,111,152, C>T on the plus strand (G>A on the coding strand, the complement: PKD1 is on the minus strand). VCF-style: chr16-2111152-C-T. GRCh37 (hg19) VCF-style: chr16-2161153-C-T.
Other names: c.4015G>A, p.Val1339Met (NM_000296.4); short protein forms V1339M.
Identifiers: ClinVar variation 433960 (VCV000433960.21), dbSNP rs147141131, ClinGen allele CA7832527.